The following is an entry in ClinVar:

NM_007126.5(VCP):c.894T>A (p.Pro298=)

Gene: VCP (valosin containing protein; minus strand). Cytogenetic location: 9p13.3.
Variant type: single nucleotide variant.
Coding change: c.894T>A on transcript NM_007126.5 (MANE Select); coding-DNA position 894, T replaced by A.
Protein change: p.Pro298=; no amino-acid change (proline 298 retained).
Molecular consequence: synonymous variant.
Genome position (GRCh38, 1-based): chr9:35,062,268, A>T on the plus strand (T>A on the coding strand, the complement: VCP is on the minus strand). VCF-style: chr9-35062268-A-T. GRCh37 (hg19) VCF-style: chr9-35062265-A-T.
Other names: c.759T>A, p.Pro253= (NM_001354927.2, NM_001354928.2).
Identifiers: ClinVar variation 2051984 (VCV002051984.5), dbSNP rs1268424817, ClinGen allele CA464406337.

ClinVar aggregate classification (germline): Likely benign. Review status: criteria provided, multiple submitters, no conflicts (2 of 4 stars). 2 submissions from 2 submitters: Likely benign (2). Last evaluated 2025-06-01.

Conditions:
VCP-related disorder. Also called: VCP-related disorders; VCP-related condition.
Frontotemporal dementia and/or amyotrophic lateral sclerosis 6 (FTDALS6). Also called: VCP-Related Amyotrophic Lateral Sclerosis; VCP-Related Amyotrophic Lateral Sclerosis/Frontotemporal Dementia. Identifiers: Orphanet 275872, Orphanet 803, MedGen C5436279, MONDO:0013501, OMIM 613954.
Inclusion body myopathy with Paget disease of bone and frontotemporal dementia. Also called: Inclusion body myopathy with early-onset Paget disease and frontotemporal dementia. Identifiers: Orphanet 52430, MedGen C1833662, MONDO:0000507.

Allele frequency attached by ClinVar (database versions not stated): gnomAD exomes below 0.00001; TOPMed 0.00001; gnomAD 0.00002.
gnomAD v4.1: 4 of 1,614,100 alleles (0.00025%); highest among the groups gnomAD compares: Non-Finnish European, 0.00034%; no homozygotes.

Submissions (2):

Labcorp Genetics (formerly Invitae), Labcorp
Classification: Likely benign for Inclusion body myopathy with Paget disease of bone and frontotemporal dementia; Frontotemporal dementia and/or amyotrophic lateral sclerosis 6. Last evaluated: 2025-06-01. Review status: criteria provided, single submitter. Criteria: Invitae Variant Classification Sherloc (09022015). Collection method: clinical testing. Allele origin: germline.

PreventionGenetics, part of Exact Sciences
Classification: Likely benign for VCP-related condition. Last evaluated: 2024-12-15. Review status: criteria provided, single submitter. Criteria: ACMG Guidelines, 2015. Collection method: clinical testing. Allele origin: germline.
Comment: This variant is classified as likely benign based on ACMG/AMP sequence variant interpretation guidelines (Richards et al. 2015 PMID: 25741868, with internal and published modifications).